The following is an entry in ClinVar:

NM_014215.3(INSRR):c.2388C>A (p.Thr796=)

Genes: INSRR (insulin receptor related receptor; minus strand), NTRK1 (neurotrophic receptor tyrosine kinase 1; plus strand). Cytogenetic location: 1q23.1.
Variant type: single nucleotide variant.
Coding change: c.2388C>A on transcript NM_014215.3 (MANE Select); coding-DNA position 2388, C replaced by A.
Protein change: p.Thr796=; no amino-acid change (threonine 796 retained).
Molecular consequence: synonymous variant. On other transcripts: intron variant (1).
Genome position (GRCh38, 1-based): chr1:156,845,125, G>T on the plus strand (C>A on the coding strand, the complement: INSRR is on the minus strand). VCF-style: chr1-156845125-G-T. GRCh37 (hg19) VCF-style: chr1-156814917-G-T.
Other names: c.122+2932G>T (NM_001007792.1).
Identifiers: ClinVar variation 4533935 (VCV004533935.6).

ClinVar aggregate classification (germline): Likely benign (1 of 4 stars; one submission).

gnomAD v4.1: 905 of 1,611,498 alleles (0.056%); highest among the groups gnomAD compares: African/African-American, 1.1%; 6 homozygotes.

Submission:

CeGaT Center for Human Genetics Tuebingen
Classification: Likely benign. Last evaluated: 2025-11-01. Review status: criteria provided, single submitter. Criteria: CeGaT Center For Human Genetics Tuebingen Variant Classification Criteria Version 2. Collection method: clinical testing. Allele origin: germline. Affected: yes. Observed: 2 variant alleles.
Comment: INSRR: BP4, BP7, BS1